The following is an entry in ClinVar:

NM_000179.3(MSH6):c.3524C>T (p.Thr1175Ile)

Gene: MSH6 (mutS homolog 6; plus strand). Cytogenetic location: 2p16.3.
Variant type: single nucleotide variant.
Coding change: c.3524C>T on transcript NM_000179.3 (MANE Select); coding-DNA position 3524, C replaced by T.
Protein change: p.Thr1175Ile; replaces threonine 1175 with isoleucine.
Molecular consequence: missense variant.
Genome position (GRCh38, 1-based): chr2:47,804,995, C>T. VCF-style: chr2-47804995-C-T. GRCh37 (hg19) VCF-style: chr2-48032134-C-T.
Other names: c.3134C>T, p.Thr1045Ile (NM_001281492.2); c.2618C>T, p.Thr873Ile (NM_001281493.2, NM_001281494.2); short protein forms T1175I, T1045I, T873I.
Identifiers: ClinVar variation 422644 (VCV000422644.24), dbSNP rs369583604, ClinGen allele CA071114.

ClinVar aggregate classification (germline): Conflicting classifications of pathogenicity. Review status: criteria provided, conflicting classifications (1 of 4 stars). 7 submissions from 7 submitters: Uncertain significance (6); Likely benign (1). Last evaluated 2026-01-02.

Conditions:
Hereditary nonpolyposis colorectal neoplasms. Identifiers: MedGen C0009405, MeSH D003123.
Hereditary cancer-predisposing syndrome. Also called: Hereditary neoplastic syndrome; Neoplastic Syndromes, Hereditary; Tumor predisposition; Hereditary Cancer Syndrome. Identifiers: Orphanet 140162, MedGen C0027672, MeSH D009386, MONDO:0015356.
Lynch syndrome. Identifiers: Orphanet 144, MedGen C4552100, MONDO:0005835. Disease mechanism: loss of function.
Endometrial carcinoma. Also called: Endometrial carcinoma, somatic. Identifiers: MedGen C0476089, MONDO:0002447, OMIM 608089, HP:0012114.

Allele frequency attached by ClinVar (database versions not stated): gnomAD exomes 0.00001; ExAC 0.00002; gnomAD 0.00002 and 0.00003; TOPMed 0.00002; 1000 Genomes Project 30x 0.00016; 1000 Genomes Project 0.00020.
gnomAD v4.1: 7 of 1,613,944 alleles (0.00043%); highest among the groups gnomAD compares: African/African-American, 0.008%; no homozygotes.

Submissions (7):

Labcorp Genetics (formerly Invitae), Labcorp
Classification: Likely benign for Hereditary nonpolyposis colorectal neoplasms. Last evaluated: 2026-01-02. Review status: criteria provided, single submitter. Criteria: Invitae Variant Classification Sherloc (09022015). Collection method: clinical testing. Allele origin: germline.

All of Us Research Program, National Institutes of Health
Classification: Uncertain significance for Lynch syndrome. Last evaluated: 2024-06-11. Review status: criteria provided, single submitter. Criteria: ACMG Guidelines, 2015. Collection method: clinical testing. Allele origin: germline. Inheritance: Autosomal dominant inheritance. Observed: 2 variant alleles, 2 heterozygotes.
Comment: This missense variant replaces threonine with isoleucine at codon 1175 of the MSH6 protein. Computational prediction tools and conservation analyses suggest that this variant may have deleterious impact on the protein function. Computational splicing tools suggest that this variant may not impact RNA splicing. To our knowledge, functional assays have not been performed for this variant nor has this variant been reported in individuals affected with hereditary cancer in the literature. This variant has been identified in 4/282662 chromosomes in the general population by the Genome Aggregation Database (gnomAD). Available evidence is insufficient to determine the role of this variant in disease conclusively. Therefore, this variant is classified as a Variant of Uncertain Significance.

This study involves interpretation of variants in research participants for the purpose of population health screening. Participant phenotype was not available at the time of variant classification. Additional details can be found in publication PMID: 35346344, PMCID: PMC8962531

Ambry Genetics
Classification: Uncertain significance for Hereditary cancer-predisposing syndrome. Last evaluated: 2024-02-07. Review status: criteria provided, single submitter. Criteria: Ambry Variant Classification Scheme 2023. Collection method: clinical testing. Allele origin: germline.
Comment: The p.T1175I variant (also known as c.3524C>T), located in coding exon 6 of the MSH6 gene, results from a C to T substitution at nucleotide position 3524. The threonine at codon 1175 is replaced by isoleucine, an amino acid with similar properties. This amino acid position is highly conserved in available vertebrate species. In addition, this alteration is predicted to be deleterious by in silico analysis. Based on the available evidence, the clinical significance of this alteration remains unclear.

Baylor Genetics
Classification: Uncertain significance for Endometrial carcinoma. Last evaluated: 2024-01-23. Review status: criteria provided, single submitter. Criteria: ACMG Guidelines, 2015. Collection method: clinical testing. Allele origin: unknown.

GeneDx
Classification: Uncertain significance. Last evaluated: 2023-09-20. Review status: criteria provided, single submitter. Criteria: GeneDx Variant Classification Process June 2021. Collection method: clinical testing. Allele origin: germline. Affected: yes.
Comment: Not observed at significant frequency in large population cohorts (gnomAD); In silico analysis supports that this missense variant has a deleterious effect on protein structure/function; Has not been previously published as pathogenic or benign to our knowledge; This variant is associated with the following publications: (PMID: 17531815, 21120944)

Sema4
Classification: Uncertain significance for Hereditary cancer-predisposing syndrome. Last evaluated: 2022-02-08. Review status: criteria provided, single submitter. Criteria: Sema4 Curation Guidelines. Collection method: curation. Allele origin: germline.
Comment: The MSH6 c.3524C>T (p.T1175I) variant has not been reported in the literature in individuals with MSH6-related disease. It was observed in 4/24968 chromosomes of the African/African American subpopulation in the large and broad cohorts of the Genome Aggregation Database (PMID: 32461654). This variant has been reported in ClinVar (Variation ID 422644). In silico tools suggest the impact of the variant on protein function is deleterious, though these predictions have not been confirmed by functional studies. The evidence is insufficient to meet ACMG/AMP criteria for classifying the variant as benign or pathogenic. Thus, the clinical significance of this variant is currently uncertain.

Color Diagnostics, LLC DBA Color Health
Classification: Uncertain significance for Hereditary cancer-predisposing syndrome. Last evaluated: 2019-08-15. Review status: criteria provided, single submitter. Criteria: ACMG Guidelines, 2015. Collection method: clinical testing. Allele origin: germline.
Comment: This missense variant replaces threonine with isoleucine at codon 1175 of the MSH6 protein. Computational prediction tools and conservation analyses suggest that this variant may have deleterious impact on the protein function. Computational splicing tools suggest that this variant may not impact RNA splicing. To our knowledge, functional assays have not been performed for this variant nor has this variant been reported in individuals affected with hereditary cancer in the literature. This variant has been identified in 4/282662 chromosomes in the general population by the Genome Aggregation Database (gnomAD). Available evidence is insufficient to determine the role of this variant in disease conclusively. Therefore, this variant is classified as a Variant of Uncertain Significance.